The following is an entry in ClinVar:

ClinVar aggregate classification (germline): Uncertain significance. Review status: criteria provided, multiple submitters, no conflicts (2 of 4 stars). 2 submissions from 2 submitters: Uncertain significance (2). Last evaluated 2025-12-24.

Allele frequency attached by ClinVar (database versions not stated): ExAC 0.00010; gnomAD 0.00010 and 0.00011; 1000 Genomes Project 30x 0.00016; ESP Exome Variant Server 0.00016; 1000 Genomes Project 0.00020.
gnomAD v4.1: 41 of 1,552,222 alleles (0.0026%); highest among the groups gnomAD compares: African/African-American, 0.023%; no homozygotes.

Submissions (2):

Labcorp Genetics (formerly Invitae), Labcorp
Classification: Uncertain significance. Last evaluated: 2025-12-24. Review status: criteria provided, single submitter. Criteria: Invitae Variant Classification Sherloc (09022015). Collection method: clinical testing. Allele origin: germline.
Comment: This sequence change replaces arginine, which is basic and polar, with histidine, which is basic and polar, at codon 237 of the GATA5 protein (p.Arg237His). This variant is present in population databases (rs375382459, gnomAD 0.04%). This variant has not been reported in the literature in individuals affected with GATA5-related conditions. ClinVar contains an entry for this variant (Variation ID: 1437139). Invitae Evidence Modeling of protein sequence and biophysical properties (such as structural, functional, and spatial information, amino acid conservation, physicochemical variation, residue mobility, and thermodynamic stability) indicates that this missense variant is expected to disrupt GATA5 protein function with a positive predictive value of 80%. In summary, the available evidence is currently insufficient to determine the role of this variant in disease. Therefore, it has been classified as a Variant of Uncertain Significance.

GeneDx
Classification: Uncertain significance. Last evaluated: 2023-12-21. Review status: criteria provided, single submitter. Criteria: GeneDx Variant Classification Process June 2021. Collection method: clinical testing. Allele origin: germline. Affected: yes.
Comment: Has not been previously published as pathogenic or benign to our knowledge; In silico analysis supports that this missense variant has a deleterious effect on protein structure/function

NM_080473.5(GATA5):c.710G>A (p.Arg237His)

Gene: GATA5 (GATA binding protein 5; minus strand). Cytogenetic location: 20q13.33.
Variant type: single nucleotide variant.
Coding change: c.710G>A on transcript NM_080473.5 (MANE Select); coding-DNA position 710, G replaced by A.
Protein change: p.Arg237His; replaces arginine 237 with histidine.
Molecular consequence: missense variant.
Genome position (GRCh38, 1-based): chr20:62,466,541, C>T on the plus strand (G>A on the coding strand, the complement: GATA5 is on the minus strand). VCF-style: chr20-62466541-C-T. GRCh37 (hg19) VCF-style: chr20-61041597-C-T.
Other names: c.710G>A (NM_080473.4); short protein forms R237H.
Identifiers: ClinVar variation 1437139 (VCV001437139.7), dbSNP rs375382459, ClinGen allele CA9946214.